The following is an entry in ClinVar:

ClinVar aggregate classification (germline): Uncertain significance (1 of 4 stars; one submission).

Conditions:
Inborn genetic diseases. Identifiers: MedGen C0950123, MeSH D030342.

gnomAD v4.1: 1 of 1,614,100 alleles (0.000062%); no homozygotes.

Submission:

Ambry Genetics
Classification: Uncertain significance for Inborn genetic diseases. Last evaluated: 2025-09-04. Review status: criteria provided, single submitter. Criteria: Ambry Variant Classification Scheme 2023. Collection method: clinical testing. Allele origin: germline.
Comment: The p.P540L variant (also known as c.1619C>T), located in coding exon 12 of the ASXL1 gene, results from a C to T substitution at nucleotide position 1619. The proline at codon 540 is replaced by leucine, an amino acid with similar properties. This amino acid position is conserved. In addition, the in silico prediction for this alteration is inconclusive. Based on the available evidence, the clinical significance of this variant remains unclear.

NM_015338.6(ASXL1):c.1619C>T (p.Pro540Leu)

Gene: ASXL1 (ASXL transcriptional regulator 1; plus strand). Cytogenetic location: 20q11.21.
Variant type: single nucleotide variant.
Coding change: c.1619C>T on transcript NM_015338.6 (MANE Select); coding-DNA position 1619, C replaced by T.
Protein change: p.Pro540Leu; replaces proline 540 with leucine.
Molecular consequence: missense variant.
Genome position (GRCh38, 1-based): chr20:32,433,817, C>T. VCF-style: chr20-32433817-C-T. GRCh37 (hg19) VCF-style: chr20-31021620-C-T.
Other names: c.1436C>T, p.Pro479Leu (NM_001363734.1); short protein forms P540L, P479L.
Identifiers: ClinVar variation 4159470 (VCV004159470.1).